The following is an entry in ClinVar:

ClinVar aggregate classification (germline): Uncertain significance (1 of 4 stars; one submission).

Submission:

Women's Health and Genetics/Laboratory Corporation of America, LabCorp
Classification: Uncertain significance. Last evaluated: 2022-08-24. Review status: criteria provided, single submitter. Criteria: LabCorp Variant Classification Summary - May 2015. Collection method: clinical testing. Allele origin: germline.
Comment: Variant summary: SUZ12 c.1039G>A (p.Glu347Lys) results in a conservative amino acid change in the encoded protein sequence. Three of five in-silico tools predict a damaging effect of the variant on protein function. The variant was absent in 211384 control chromosomes (gnomAD). The available data on variant occurrences in the general population are insufficient to allow any conclusion about variant significance. To our knowledge, no occurrence of c.1039G>A in individuals affected with Imagawa-Matsumoto Syndrome and no experimental evidence demonstrating its impact on protein function have been reported. No clinical diagnostic laboratories have submitted clinical-significance assessments for this variant to ClinVar after 2014. Based on the evidence outlined above, the variant was classified as uncertain significance.

NM_015355.4(SUZ12):c.1039G>A (p.Glu347Lys)

Gene: SUZ12 (SUZ12 polycomb repressive complex 2 subunit; plus strand). Cytogenetic location: 17q11.2.
Variant type: single nucleotide variant.
Coding change: c.1039G>A on transcript NM_015355.4 (MANE Select); coding-DNA position 1039, G replaced by A.
Protein change: p.Glu347Lys; replaces glutamic acid 347 with lysine.
Molecular consequence: missense variant.
Genome position (GRCh38, 1-based): chr17:31,988,335, G>A. VCF-style: chr17-31988335-G-A. GRCh37 (hg19) VCF-style: chr17-30315354-G-A.
Other names: c.970G>A, p.Glu324Lys (NM_001321207.2); short protein forms E324K, E347K.
Identifiers: ClinVar variation 1705191 (VCV001705191.1), dbSNP rs1480541649, ClinGen allele CA399028648.